The following is an entry in ClinVar:

ClinVar aggregate classification (germline): Pathogenic. Review status: reviewed by expert panel (3 of 4 stars). 6 submissions from 6 submitters: Pathogenic (1). 5 of the submissions do not count toward it. Last evaluated 2016-09-08.

Conditions:
Hereditary cancer-predisposing syndrome. Also called: Tumor predisposition; Hereditary neoplastic syndrome; Hereditary Cancer Syndrome; Neoplastic Syndromes, Hereditary. Identifiers: Orphanet 140162, MedGen C0027672, MeSH D009386, MONDO:0015356.
Hereditary breast ovarian cancer syndrome. Also called: Hereditary breast and/or ovarian cancer syndrome; Breast and ovarian cancer; Hereditary breast and ovarian cancer syndrome; Hereditary breast and ovarian cancer; Hereditary breast and ovarian cancer syndrome (HBOC); BRCA1- and BRCA2-Associated Hereditary Breast and Ovarian Cancer. Identifiers: Orphanet 145, MedGen C0677776, MeSH D061325, MONDO:0003582. Disease mechanism: loss of function.
Breast-ovarian cancer, familial, susceptibility to, 1 (BROVCA1). Also called: BRCA1 Hereditary Breast and Ovarian Cancer; OVARIAN CANCER, SUSCEPTIBILITY TO. Identifiers: Orphanet 145, MedGen C2676676, MONDO:0011450, OMIM 604370. Disease mechanism: loss of function.

Submissions (6):

Evidence-based Network for the Interpretation of Germline Mutant Alleles (ENIGMA)
Classification: Pathogenic for Breast-ovarian cancer, familial, susceptibility to, 1. Last evaluated: 2016-09-08. Review status: reviewed by expert panel. Criteria: ENIGMA BRCA1/2 Classification Criteria (2015). Collection method: curation. Allele origin: germline.
Comment: Variant allele predicted to encode a truncated non-functional protein.

Ambry Genetics
Classification: Pathogenic for Hereditary cancer-predisposing syndrome. Last evaluated: 2025-09-25. Review status: criteria provided, single submitter. Criteria: Ambry Variant Classification Scheme 2023. Collection method: clinical testing. Allele origin: germline. Not counted in ClinVar's aggregate classification.
Comment: The c.4128_4129delAA pathogenic mutation, located in coding exon 10 of the BRCA1 gene, results from a deletion of two nucleotides at nucleotide positions 4128 to 4129, causing a translational frameshift with a predicted alternate stop codon (p.S1377Rfs*3). This alteration was identified in a patient diagnosed with early-onset breast cancer undergoing multigene panel testing (Tung N et al. Cancer. 2015 Jan;121:25-33) as well as a patient diagnosed with breast and ovarian cancers (Cardoso FC et al. Hum. Genomics. 2018 08;12:39). This variant is considered to be rare based on population cohorts in the Genome Aggregation Database (gnomAD). In addition to the clinical data presented in the literature, this alteration is expected to result in loss of function by premature protein truncation or nonsense-mediated mRNA decay. As such, this alteration is interpreted as a disease-causing mutation.

Labcorp Genetics (formerly Invitae), Labcorp
Classification: Pathogenic for Hereditary breast ovarian cancer syndrome. Last evaluated: 2024-05-10. Review status: criteria provided, single submitter. Criteria: Invitae Variant Classification Sherloc (09022015). Collection method: clinical testing. Allele origin: germline. Not counted in ClinVar's aggregate classification.
Comment: This sequence change creates a premature translational stop signal (p.Ser1377Argfs*3) in the BRCA1 gene. It is expected to result in an absent or disrupted protein product. Loss-of-function variants in BRCA1 are known to be pathogenic (PMID: 20104584). This variant is not present in population databases (gnomAD no frequency). This premature translational stop signal has been observed in individual(s) with breast cancer (PMID: 25186627). ClinVar contains an entry for this variant (Variation ID: 125681). For these reasons, this variant has been classified as Pathogenic.

Color Diagnostics, LLC DBA Color Health
Classification: Pathogenic for Hereditary cancer-predisposing syndrome. Last evaluated: 2023-06-28. Review status: criteria provided, single submitter. Criteria: ACMG Guidelines, 2015. Collection method: clinical testing. Allele origin: germline. Not counted in ClinVar's aggregate classification.
Comment: This variant deletes 2 nucleotides in exon 11 of the BRCA1 gene, creating a frameshift and premature translation stop signal. This variant is expected to result in an absent or non-functional protein product. This variant has been detected in at least two individuals affected with breast, ovarian and/or renal cancer (PMID: 25186627, 30103829, 32782288). This variant has not been identified in the general population by the Genome Aggregation Database (gnomAD). Loss of BRCA1 function is a known mechanism of disease. Based on the available evidence, this variant is classified as Pathogenic.

All of Us Research Program, National Institutes of Health
Classification: Pathogenic for Breast-ovarian cancer, familial, susceptibility to, 1. Last evaluated: 2023-05-31. Review status: criteria provided, single submitter. Criteria: ACMG Guidelines, 2015. Collection method: clinical testing. Allele origin: germline. Inheritance: Autosomal dominant inheritance. Observed: 1 variant allele, 1 heterozygote. Not counted in ClinVar's aggregate classification.
Comment: The c.4128_4129del (p.Ser1377Argfs*3) variant of the BRCA1 gene creates an early stop codon. It is expected to result in an absent or disrupted protein product. This variant has been reported in multiple individuals with renal, breast, ovarian, or sarcoma cancers (PMID: 25186627, 30103829, 32782288). This variant has not been identified in the general population according to the Genome Aggregation Database (gnomAD). Truncating variants in BRCA1 are known to be pathogenic (PMID: 21989022, 17661172, 22762150). Therefore the c.4128_4129del (p.Ser1377Argfs*3) variant of the BRCA1 gene is classified as pathogenic.

This study involves interpretation of variants in research participants for the purpose of population health screening. Participant phenotype was not available at the time of variant classification. Additional details can be found in publication PMID: 35346344, PMCID: PMC8962531

Breast Cancer Information Core (BIC) (BRCA1)
Classification: Pathogenic for Breast-ovarian cancer, familial 1. Last evaluated: 2004-02-20. Review status: no assertion criteria provided. Collection method: clinical testing. Allele origin: germline. Affected: yes. Observed: 1 variant allele. Not counted in ClinVar's aggregate classification.

Literature cited by the submitters: PubMed 25186627 (cited by 4 submitters); PubMed 30103829 (cited by 3 submitters); PubMed 20104584 (cited by Labcorp Genetics (formerly Invitae), Labcorp); PubMed 32782288 (cited by Color Diagnostics, LLC DBA Color Health and All of Us Research Program, National Institutes of Health); PubMed 17661172 (cited by All of Us Research Program, National Institutes of Health); PubMed 21989022 (cited by All of Us Research Program, National Institutes of Health); PubMed 22762150 (cited by All of Us Research Program, National Institutes of Health).

NM_007294.4(BRCA1):c.4128_4129del (p.Ser1377fs)

Gene: BRCA1 (BRCA1 DNA repair associated; minus strand). Cytogenetic location: 17q21.31.
Variant type: Deletion.
Coding change: c.4128_4129del on transcript NM_007294.4 (MANE Select); coding-DNA positions 4128 to 4129, 2 bases deleted (AA; older notation c.4128_4129delAA).
Protein change: p.Ser1377fs; shifts the reading frame from serine 1377.
Molecular consequence: frameshift variant. On other transcripts: non-coding transcript variant (1).
Genome position (GRCh38, 1-based): chr17:43,091,000-43,091,001, TT deleted on the plus strand (AA on the coding strand, the reverse complement: BRCA1 is on the minus strand). VCF-style (leftmost placement, unchanged base first): chr17-43090999-CTT-C. GRCh37 (hg19) VCF-style: chr17-41243016-CTT-C.
Other names: 4247delAA; c.3864_3865delAA, p.Ser1289Argfs (NM_001407927.1, NM_001407928.1, NM_001407929.1 and 9 more transcripts); c.3861_3862delAA, p.Ser1288Argfs (NM_001407930.1, NM_001407931.1, NM_001407932.1 and 2 more transcripts); c.4005_4006delAA, p.Ser1336Argfs (NM_001407937.1, NM_001407938.1, NM_001407939.1 and 19 more transcripts); c.4002_4003delAA, p.Ser1335Argfs (NM_001407940.1, NM_001407941.1, NM_001407649.1 and 11 more transcripts); c.3987_3988delAA, p.Ser1330Argfs (NM_001407942.1, NM_001407944.1, NM_001407945.1 and 28 more transcripts); c.3984_3985delAA, p.Ser1329Argfs (NM_001407943.1, NM_001407964.1, NM_001407740.1 and 20 more transcripts); c.3795_3796delAA, p.Ser1266Argfs (NM_001407946.1, NM_001407947.1, NM_001407948.1 and 6 more transcripts); and 45 more; short protein forms S1330fs, S1377fs, S274fs.
Identifiers: ClinVar variation 125681 (VCV000125681.22), dbSNP rs80357921, ClinGen allele CA002648.